The following is an entry in ClinVar:

NM_006846.4(SPINK5):c.56A>C (p.Asp19Ala)

Gene: SPINK5 (serine peptidase inhibitor Kazal type 5; plus strand). Cytogenetic location: 5q32.
Variant type: single nucleotide variant.
Coding change: c.56A>C on transcript NM_006846.4 (MANE Select); coding-DNA position 56, A replaced by C.
Protein change: p.Asp19Ala; replaces aspartic acid 19 with alanine.
Molecular consequence: missense variant.
Genome position (GRCh38, 1-based): chr5:148,065,347, A>C. VCF-style: chr5-148065347-A-C. GRCh37 (hg19) VCF-style: chr5-147444910-A-C.
Other names: c.56A>C, p.Asp19Ala (NM_001127698.2, NM_001127699.2); short protein forms D19A.
Identifiers: ClinVar variation 1384979 (VCV001384979.5), dbSNP rs1204188199, ClinGen allele CA361887442.
Genomic context (GRCh38, chr5:148,065,347, plus strand): 5'-TGTTTTGTTTATTAAATATTTTACATTTCCTTAACTTTGGTTTCTATATTTTCATCCCAG[A>C]TGCTGCCAGTAAGAATGAAGATCAGGTTAGTCCTGCTTTTTCTGTTCATTGAATTCATTC-3'
Protein context (NP_006837.2, residues 9-29): LLPLALCLIQ[Asp19Ala]AASKNEDQEM

ClinVar aggregate classification (germline): Uncertain significance (1 of 4 stars; one submission).

Conditions:
Netherton syndrome (NETH). Also called: NETHERTON DISEASE; ERYTHRODERMA, ICHTHYOSIFORM, WITH HYPOTRICHOSIS AND HYPER-IgE; COMEL-NETHERTON SYNDROME. Identifiers: Orphanet 634, MedGen C5574950, MONDO:0009735, OMIM 256500.

Allele frequency attached by ClinVar (database versions not stated): gnomAD exomes below 0.00001 and 0.00001; TOPMed below 0.00001.
gnomAD v4.1: 6 of 1,613,408 alleles (0.00037%); highest among the groups gnomAD compares: African/African-American, 0.0013%; no homozygotes.

Submission:

Labcorp Genetics (formerly Invitae), Labcorp
Classification: Uncertain significance for Ichthyosis linearis circumflexa. Last evaluated: 2022-06-20. Review status: criteria provided, single submitter. Criteria: Invitae Variant Classification Sherloc (09022015). Collection method: clinical testing. Allele origin: germline.
Comment: This sequence change replaces aspartic acid, which is acidic and polar, with alanine, which is neutral and non-polar, at codon 19 of the SPINK5 protein (p.Asp19Ala). This variant is present in population databases (no rsID available, gnomAD 0.007%). This variant has not been reported in the literature in individuals affected with SPINK5-related conditions. Algorithms developed to predict the effect of missense changes on protein structure and function are either unavailable or do not agree on the potential impact of this missense change (SIFT: "Deleterious"; PolyPhen-2: "Benign"; Align-GVGD: "Class C0"). Algorithms developed to predict the effect of sequence changes on RNA splicing suggest that this variant may disrupt the consensus splice site. In summary, the available evidence is currently insufficient to determine the role of this variant in disease. Therefore, it has been classified as a Variant of Uncertain Significance.